The following is an entry in ClinVar:

NM_025233.7(COASY):c.732_733del (p.Thr245fs)

Gene: COASY (Coenzyme A synthase; plus strand). Cytogenetic location: 17q21.2.
Variant type: Microsatellite.
Coding change: c.732_733del on transcript NM_025233.7 (MANE Select); coding-DNA positions 732 to 733, 2 bases deleted (TA; older notation c.732_733delTA).
Protein change: p.Thr245fs; shifts the reading frame from threonine 245.
Molecular consequence: frameshift variant.
Genome position (GRCh38, 1-based): chr17:42,563,992-42,563,993, TA deleted; deleting any 2 consecutive bases within chr17:42,563,990-42,563,993 gives the same sequence; the c. name uses the placement nearest the transcript's 3' end. VCF-style (leftmost placement, unchanged base first): chr17-42563989-TTA-T. GRCh37 (hg19) VCF-style: chr17-40716007-TTA-T.
Other names: c.732_733del, p.Thr245fs (NM_001042529.3); c.819_820del, p.Thr274fs (NM_001042532.4); short protein forms T245fs, T274fs.
Identifiers: ClinVar variation 2730393 (VCV002730393.3), dbSNP rs2510680306, ClinGen allele CA2697559903.
Genomic context (GRCh38, chr17:42,563,989, plus strand): 5'-GATCTCACTGTTCTTCTGGGCTCCTTCCCCAGGCAAGTTGCTCCCTGAGCTGCTCCAACC[TTA>T]TACAGAACGTGTGGAACATCTGAGTGAATTCCTGGTGGACATCAAGCCCTCCTTGACTTT-3'

ClinVar aggregate classification (germline): Pathogenic (1 of 4 stars; one submission).

Conditions:
Neurodegeneration with brain iron accumulation 6 (NBIA6). Also called: COASY protein-associated neurodegeneration. Identifiers: Orphanet 397725, MedGen C4517377, MONDO:0014290, OMIM 615643.

Submission:

Labcorp Genetics (formerly Invitae), Labcorp
Classification: Pathogenic for Neurodegeneration with brain iron accumulation 6. Last evaluated: 2024-10-17. Review status: criteria provided, single submitter. Criteria: Invitae Variant Classification Sherloc (09022015). Collection method: clinical testing. Allele origin: germline.
Comment: This sequence change creates a premature translational stop signal (p.Thr245Argfs*8) in the COASY gene. It is expected to result in an absent or disrupted protein product. Loss-of-function variants in COASY are known to be pathogenic (PMID: 24360804, 30089828). This variant is not present in population databases (gnomAD no frequency). This variant has not been reported in the literature in individuals affected with COASY-related conditions. For these reasons, this variant has been classified as Pathogenic.

Literature cited by the submitters: PubMed 24360804; PubMed 30089828.